The following is an entry in ClinVar:

NM_000038.6(APC):c.1409-931G>T

Gene: APC (APC regulator of WNT signaling pathway; plus strand). Cytogenetic location: 5q22.2.
Variant type: single nucleotide variant.
Coding change: c.1409-931G>T on transcript NM_000038.6 (MANE Select); 931 bases into the intron before coding-DNA position 1409, G replaced by T.
Molecular consequence: intron variant.
Genome position (GRCh38, 1-based): chr5:112,826,177, G>T. VCF-style: chr5-112826177-G-T. GRCh37 (hg19) VCF-style: chr5-112161874-G-T.
Other names: c.1409-931G>T (NM_001354895.2, NM_001127510.3); c.1439-931G>T (NM_001354897.2); c.1136-931G>T (NM_001354902.2); c.1355-931G>T (NM_001127511.3); c.1334-931G>T (NM_001354898.2); c.1031-931G>T (NM_001354904.2); c.560-931G>T (NM_001354906.2); c.1463-931G>T (NM_001354896.2); and 5 more.
Identifiers: ClinVar variation 82580 (VCV000082580.2), dbSNP rs78861802, ClinGen allele CA005108.

ClinVar aggregate classification (germline): other (0 of 4 stars; one submission).

Conditions:
Familial colorectal cancer. Identifiers: MedGen CN280943, MONDO:0023113. Disease mechanism: loss of function.

Allele frequency attached by ClinVar (database versions not stated): gnomAD 0.00001; TOPMed 0.00001.
gnomAD v4.1: 1 of 152,140 alleles (0.00066%); highest among the groups gnomAD compares: African/African-American, 0.0024%; no homozygotes.

Submission:

Systems Biology Platform Zhejiang California International NanoSystems Institute
Classification: other for Familial colorectal cancer. Review status: no assertion criteria provided. Collection method: not provided. Allele origin: unknown.
ClinVar note: Converted during submission from cancer to other.